The following continues an entry in ClinVar:

NM_001267550.2(TTN):c.44281C>T (p.Pro14761Ser)

Gene: TTN. ClinVar aggregate classification (germline): Conflicting classifications of pathogenicity. Uncertain significance (7); Benign (4); Likely benign (9).

Submissions 16 to 29 of 29:

Illumina Laboratory Services, Illumina
Classification: Uncertain significance for Autosomal recessive limb-girdle muscular dystrophy type 2J. Last evaluated: 2017-04-27. Review status: criteria provided, single submitter. Criteria: ICSL Variant Classification Criteria 13 December 2019. Collection method: clinical testing. Allele origin: germline.

Illumina Laboratory Services, Illumina
Classification: Uncertain significance for Early-onset myopathy with fatal cardiomyopathy. Last evaluated: 2017-04-27. Review status: criteria provided, single submitter. Criteria: ICSL Variant Classification Criteria 13 December 2019. Collection method: clinical testing. Allele origin: germline.

Illumina Laboratory Services, Illumina
Classification: Uncertain significance for Dilated cardiomyopathy 1G. Last evaluated: 2017-04-27. Review status: criteria provided, single submitter. Criteria: ICSL Variant Classification Criteria 13 December 2019. Collection method: clinical testing. Allele origin: germline.

Illumina Laboratory Services, Illumina
Classification: Benign for Myopathy, myofibrillar, 9, with early respiratory failure. Last evaluated: 2017-04-27. Review status: criteria provided, single submitter. Criteria: ICSL Variant Classification Criteria 13 December 2019. Collection method: clinical testing. Allele origin: germline.
Comment: This variant was observed as part of a predisposition screen in an ostensibly healthy population. A literature search was performed for the gene, cDNA change, and amino acid change (where applicable). No publications were found based on this search. Allele frequency data from public databases was too high to be consistent with this variant causing disease. Therefore, this variant is classified as benign.

Cardiovascular Biomedical Research Unit, Royal Brompton & Harefield NHS Foundation Trust
Classification: Uncertain significance for Primary dilated cardiomyopathy. Last evaluated: 2014-10-08. Review status: criteria provided, single submitter. Criteria: Roberts et al. 2015. Collection method: research. Allele origin: germline. Inheritance: Autosomal dominant inheritance. Affected: yes. Observed: 1 variant allele. Study: Endstage DCM.
Comment: In the seven cohorts assessed, TTNtv were found in 14% of ambulant DCM, 22% end-stage or familial DCM, and 2% controls. Heterozygous nonsense, frameshift and canonical splice-disrupting variants found in constitutive and other highly utilised exons are highly likely to be pathogenic when identified in individuals with phenotypically confirmed DCM. TTNtv found incidentally in healthy individuals (excluding familial assessment of DCM relatives) are thought to have low penetrance, particularly when identified in exons that are not constitutively expressed in the heart.

Knight Diagnostic Laboratories, Oregon Health and Sciences University
Classification: Uncertain significance for Dilated cardiomyopathy 1G. Last evaluated: 2015-12-04. Review status: no assertion criteria provided. Criteria: ACMG Guidelines, 2015. Collection method: clinical testing. Allele origin: germline. Affected: no. Study: CSER-NextGen. Not counted in ClinVar's aggregate classification.

Knight Diagnostic Laboratories, Oregon Health and Sciences University
Classification: Uncertain significance for Hypertrophic cardiomyopathy 9. Last evaluated: 2015-12-04. Review status: no assertion criteria provided. Criteria: ACMG Guidelines, 2015. Collection method: clinical testing. Allele origin: germline. Affected: no. Study: CSER-NextGen. Not counted in ClinVar's aggregate classification.

Clinical Genetics DNA and cytogenetics Diagnostics Lab, Erasmus MC, Erasmus Medical Center
Classification: Likely benign. Review status: no assertion criteria provided. Collection method: clinical testing. Allele origin: germline. Affected: yes. Study: VKGL Data-share Consensus. Not counted in ClinVar's aggregate classification.

Clinical Genetics, Academic Medical Center
Classification: Likely benign. Review status: no assertion criteria provided. Collection method: clinical testing. Allele origin: germline. Affected: yes. Study: VKGL Data-share Consensus. Not counted in ClinVar's aggregate classification.

Department of Pathology and Laboratory Medicine, Sinai Health System
Classification: Uncertain significance. Review status: no assertion criteria provided. Collection method: clinical testing. Allele origin: unknown. Affected: yes. Study: The Canadian Open Genetics Repository (COGR). Not counted in ClinVar's aggregate classification.
Comment: The TTN p.Pro12193Ser variant was not identified in the literature but was identified in dbSNP (ID: rs192766485), LOVD 3.0 and ClinVar (classified as uncertain significance by Invitae, Ambry Genetics, EGL Genetics and three other laboratories, as likely benign by Blueprint Genetics and GeneDx and as benign by Laboratory for Molecular Medicine). The variant was identified in control databases in 181 of 279630 chromosomes at a frequency of 0.0006473 increasing the likelihood this could be a low frequency benign variant (Genome Aggregation Database March 6, 2019, v2.1.1). The variant was observed in the following populations: European (non-Finnish) in 142 of 127884 chromosomes (freq: 0.00111), Other in 7 of 7120 chromosomes (freq: 0.000983), Latino in 24 of 35264 chromosomes (freq: 0.000681) and African in 8 of 24182 chromosomes (freq: 0.000331), but was not observed in the Ashkenazi Jewish, East Asian, European (Finnish), or South Asian populations. The p.Pro12193 residue is conserved in mammals and computational analyses (PolyPhen-2, SIFT, AlignGVGD, BLOSUM, MutationTaster) provide inconsistent predictions regarding the impact to the protein; this information is not very predictive of pathogenicity. The p.Pro12193Ser variant occurs in the last base of the exon; this position has been shown to be part of the splicing consensus sequence and variants involving this position sometimes affect splicing. However, three of four in silico or computational prediction software programs (SpliceSiteFinder, MaxEntScan, NNSPLICE, GeneSplicer) do not predict a greater than 10% difference in splicing. In summary, based on the above information the clinical significance of this variant cannot be determined with certainty at this time. This variant is classified as a variant of uncertain significance.

Diagnostic Laboratory, Department of Genetics, University Medical Center Groningen
Classification: Likely benign. Review status: no assertion criteria provided. Collection method: clinical testing. Allele origin: germline. Affected: yes. Study: VKGL Data-share Consensus. Not counted in ClinVar's aggregate classification.

Genome Diagnostics Laboratory, University Medical Center Utrecht
Classification: Likely benign. Review status: no assertion criteria provided. Collection method: clinical testing. Allele origin: germline. Affected: yes. Study: VKGL Data-share Consensus. Not counted in ClinVar's aggregate classification.

Joint Genome Diagnostic Labs from Nijmegen and Maastricht, Radboudumc and MUMC+
Classification: Likely benign. Review status: no assertion criteria provided. Collection method: clinical testing. Allele origin: germline. Affected: yes. Study: VKGL Data-share Consensus. Not counted in ClinVar's aggregate classification.

Laboratory of Diagnostic Genome Analysis, Leiden University Medical Center (LUMC)
Classification: Likely benign. Review status: no assertion criteria provided. Collection method: clinical testing. Allele origin: germline. Affected: yes. Study: VKGL Data-share Consensus. Not counted in ClinVar's aggregate classification.

Literature cited by the submitters: PubMed 25589632 (cited by Mayo Clinic Laboratories, Mayo Clinic and Eurofins Ntd Llc (ga)); PubMed 26516846 (cited by 3 submitters).